The following is an entry in ClinVar:

ClinVar aggregate classification (germline): Uncertain significance. Review status: criteria provided, multiple submitters, no conflicts (2 of 4 stars). 2 submissions from 2 submitters: Uncertain significance (2). Last evaluated 2025-02-03.

Allele frequency attached by ClinVar (database versions not stated): gnomAD exomes 0.00004 and 0.00008; ExAC 0.00009; ESP Exome Variant Server 0.00015; gnomAD 0.00021 and 0.00024; 1000 Genomes Project 0.00100; 1000 Genomes Project 30x 0.00109.

Submissions (2):

Labcorp Genetics (formerly Invitae), Labcorp
Classification: Uncertain significance. Last evaluated: 2025-02-03. Review status: criteria provided, single submitter. Criteria: Invitae Variant Classification Sherloc (09022015). Collection method: clinical testing. Allele origin: germline.
Comment: This sequence change replaces arginine, which is basic and polar, with cysteine, which is neutral and slightly polar, at codon 177 of the FCHO1 protein (p.Arg177Cys). This variant is present in population databases (rs200074791, gnomAD 0.08%). This variant has not been reported in the literature in individuals affected with FCHO1-related conditions. ClinVar contains an entry for this variant (Variation ID: 1358131). An algorithm developed to predict the effect of missense changes on protein structure and function (PolyPhen-2) suggests that this variant¬†is likely to be tolerated. In summary, the available evidence is currently insufficient to determine the role of this variant in disease. Therefore, it has been classified as a Variant of Uncertain Significance.

Blueprint Genetics
Classification: Uncertain significance. Last evaluated: 2024-09-18. Review status: criteria provided, single submitter. Criteria: ACMG Guidelines, 2015. Collection method: clinical testing. Allele origin: germline.

NM_015122.3(FCHO1):c.529C>T (p.Arg177Cys)

Gene: FCHO1 (FCH and mu domain containing endocytic adaptor 1; plus strand). Cytogenetic location: 19p13.11.
Variant type: single nucleotide variant.
Coding change: c.529C>T on transcript NM_015122.3 (MANE Select); coding-DNA position 529, C replaced by T.
Protein change: p.Arg177Cys; replaces arginine 177 with cysteine.
Molecular consequence: missense variant. On other transcripts: non-coding transcript variant (36).
Genome position (GRCh38, 1-based): chr19:17,770,831, C>T. VCF-style: chr19-17770831-C-T. GRCh37 (hg19) VCF-style: chr19-17881640-C-T.
Other names: c.529C>T, p.Arg177Cys (NM_001384376.1, NM_001384377.1, NM_001384378.1 and 26 more transcripts); c.379C>T, p.Arg127Cys (NM_001384384.1, NM_001384385.1, NM_001384386.1 and 3 more transcripts); c.454C>T, p.Arg152Cys (NM_001384390.1); c.490C>T, p.Arg164Cys (NM_001384388.1, NM_001384389.1, NM_001384405.1); short protein forms R127C, R164C, R152C, R177C.
Identifiers: ClinVar variation 1358131 (VCV001358131.5), dbSNP rs200074791, ClinGen allele CA9300140.